The following is an entry in ClinVar:

ClinVar aggregate classification (germline): other (0 of 4 stars; one submission).

Conditions:
Familial colorectal cancer. Identifiers: MedGen CN280943, MONDO:0023113. Disease mechanism: loss of function.

Submission:

Systems Biology Platform Zhejiang California International NanoSystems Institute
Classification: other for Familial colorectal cancer. Review status: no assertion criteria provided. Collection method: not provided. Allele origin: unknown.
ClinVar note: Converted during submission from cancer to other.

NM_000038.6(APC):c.646-4015T>C

Gene: APC (APC regulator of WNT signaling pathway; plus strand). Cytogenetic location: 5q22.2.
Variant type: single nucleotide variant.
Coding change: c.646-4015T>C on transcript NM_000038.6 (MANE Select); 4015 bases into the intron before coding-DNA position 646, T replaced by C.
Molecular consequence: intron variant.
Genome position (GRCh38, 1-based): chr5:112,788,431, T>C. VCF-style: chr5-112788431-T-C. GRCh37 (hg19) VCF-style: chr5-112124128-T-C.
Other names: c.646-4015T>C (NM_001354895.2, NM_001127510.3, NM_001354896.2 and 1 more transcripts); c.676-4015T>C (NM_001354897.2, NM_001354902.2); c.675+7528T>C (NM_001127511.3); c.571-4015T>C (NM_001354898.2, NM_001354904.2); c.-390-4015T>C (NM_001354906.2); c.645+7528T>C (NM_001354899.2); c.469-4015T>C (NM_001354900.2, NM_001354901.2, NM_001354905.2).
Identifiers: ClinVar variation 82977 (VCV000082977.2), dbSNP rs79487550, ClinGen allele CA011901.
Genomic context (GRCh38, chr5:112,788,431, plus strand): 5'-TCATAATATTTAGTCTTGGTTGAAAGGATGGACTCTGGAACCAGACCTTCTATATTCAAA[T>C]CCCAGACCTGCCACTTAGCAACACCATGATCCTAGGTAAATTCTCTGCCTCAGTTTTCTT-3'